The following is an entry in ClinVar:

ClinVar aggregate classification (germline): Conflicting classifications of pathogenicity. Review status: criteria provided, conflicting classifications (1 of 4 stars). 2 submissions from 2 submitters: Pathogenic (1); Uncertain significance (1). Last evaluated 2025-08-25.

Conditions:
Malignant hyperthermia, susceptibility to, 1 (MHS1). Also called: RYR1-Related Malignant Hyperthermia Susceptibility; Malignant hyperthermia suceptibility 1; Anesthesia related hyperthermia; Malignant hyperpyrexia; Fulminating hyperpyrexia; Pharmacogenic myopathy. Identifiers: Orphanet 423, MedGen C2930980, MONDO:0007783, OMIM 145600.
RYR1-related disorder. Also called: RYR1-related disorders; RYR1-related condition. Identifiers: MedGen CN239331.

Submissions (2):

Labcorp Genetics (formerly Invitae), Labcorp
Classification: Pathogenic for RYR1-related disorder. Last evaluated: 2025-08-25. Review status: criteria provided, single submitter. Criteria: Invitae Variant Classification Sherloc (09022015). Collection method: clinical testing. Allele origin: germline.
Comment: This sequence change creates a premature translational stop signal (p.Cys3650Metfs*2) in the RYR1 gene. It is expected to result in an absent or disrupted protein product. Loss-of-function variants in RYR1 are known to be pathogenic (PMID: 23919265, 25960145, 28818389, 30611313). This variant is not present in population databases (gnomAD no frequency). This premature translational stop signal has been observed in individual(s) with autosomal recessive RYR1-related myopathy (PMID: 28818389). ClinVar contains an entry for this variant (Variation ID: 2736883). For these reasons, this variant has been classified as Pathogenic.

All of Us Research Program, National Institutes of Health
Classification: Uncertain significance for Malignant hyperthermia, susceptibility to, 1. Last evaluated: 2024-05-14. Review status: criteria provided, single submitter. Criteria: ACMG Guidelines, 2015. Collection method: clinical testing. Allele origin: germline. Inheritance: Autosomal dominant inheritance. Observed: 2 variant alleles, 2 heterozygotes.
Comment: This variant inserts 1 nucleotide in exon 75 of the RYR1 gene, creating a frameshift and premature translation stop signal. This variant is expected to result in an absent or non-functional protein product. To our knowledge, this variant has not been reported in individuals affected with RYR1-related disorders in the literature. This variant has not been identified in the general population by the Genome Aggregation Database (gnomAD). Loss of RYR1 function due to truncation variants is not an established disease mechanism for autosomal dominant malignant hyperthermia, although it is associated with other phenotype(s). Due to insufficient evidence, this variant is classified as a Variant of Uncertain Significance for autosomal dominant malignant hyperthermia.

This study involves interpretation of variants in research participants for the purpose of population health screening. Participant phenotype was not available at the time of variant classification. Additional details can be found in publication PMID: 35346344, PMCID: PMC8962531

Literature cited by the submitters: PubMed 23919265 (cited by Labcorp Genetics (formerly Invitae), Labcorp); PubMed 25960145 (cited by Labcorp Genetics (formerly Invitae), Labcorp); PubMed 28818389 (cited by Labcorp Genetics (formerly Invitae), Labcorp); PubMed 30611313 (cited by Labcorp Genetics (formerly Invitae), Labcorp).

NM_000540.3(RYR1):c.10946dup (p.Cys3650fs)

Gene: RYR1 (ryanodine receptor 1; plus strand). Cytogenetic location: 19q13.2.
Variant type: Duplication.
Coding change: c.10946dup on transcript NM_000540.3 (MANE Select); coding-DNA position 10946, one base duplicated (C; older notation c.10946dupC).
Protein change: p.Cys3650fs; shifts the reading frame from cysteine 3650.
Molecular consequence: frameshift variant.
Genome position (GRCh38, 1-based): chr19:38,528,607, C duplicated. VCF-style (leftmost placement, unchanged base first): chr19-38528606-G-GC. GRCh37 (hg19) VCF-style: chr19-39019246-G-GC.
Other names: c.10931dup, p.Cys3645fs (NM_001042723.2); short protein forms C3645fs, C3650fs.
Identifiers: ClinVar variation 2736883 (VCV002736883.5), dbSNP rs2514497007, ClinGen allele CA2695223186.